The following is an entry in ClinVar:

ClinVar aggregate classification (germline): Conflicting classifications of pathogenicity. Review status: criteria provided, conflicting classifications (1 of 4 stars). 3 submissions from 3 submitters: Likely pathogenic (1); Uncertain significance (1). 1 of the submissions does not count toward it. Last evaluated 2024-05-29.

Conditions:
Neuronal ceroid lipofuscinosis 13 (CLN13). Also called: CEROID LIPOFUSCINOSIS, NEURONAL, 13 (KUFS TYPE); CLN13 Disease. Identifiers: Orphanet 352709, Orphanet 79262, MedGen C3715049, MONDO:0014147, OMIM 615362.

gnomAD v4.1: 32 of 1,613,784 alleles (0.002%); highest among the groups gnomAD compares: Middle Eastern, 0.016%; no homozygotes.

Submissions (3):

GeneDx
Classification: Likely pathogenic. Last evaluated: 2024-05-29. Review status: criteria provided, single submitter. Criteria: GeneDx Variant Classification Process June 2021. Collection method: clinical testing. Allele origin: germline. Affected: yes.
Comment: Not observed at significant frequency in large population cohorts (gnomAD); In silico analysis supports that this missense variant has a deleterious effect on protein structure/function; Has not been previously published as pathogenic or benign to our knowledge

Blueprint Genetics
Classification: Uncertain significance. Last evaluated: 2020-02-13. Review status: criteria provided, single submitter. Criteria: ACMG Guidelines, 2015. Collection method: clinical testing. Allele origin: germline.

Firoozgar Clinical Hospital, Iran University of Medical Sciences
Classification: Likely pathogenic for Neuronal ceroid lipofuscinosis 13. Last evaluated: 2024-10-29. Review status: no assertion criteria provided. Collection method: clinical testing. Allele origin: germline. Inheritance: Autosomal recessive inheritance. Affected: yes. Observed: 3 variant alleles. Clinical features observed: Global brain atrophy (HP:0002283), Juvenile onset (HP:0003621), Cognitive impairment (HP:0100543). Not counted in ClinVar's aggregate classification.
Comment: This sequence change replaces leucine, a non-polar amino acid, with serine, a polar amino acid, at codon 324 of the Cathepsin F protein (p.Leu324Ser). This variant was absent in a homozygous state in the gnomAD database. We identified this mutation in two patients affected by Neuronal Ceroid Lipofuscinosis-13, and it has also been observed to segregate with the disease in related individuals. For these reasons, this variant has been classified as likely pathogenic.

NM_003793.4(CTSF):c.971T>C (p.Leu324Ser)

Gene: CTSF (cathepsin F; minus strand). Cytogenetic location: 11q13.2.
Variant type: single nucleotide variant.
Coding change: c.971T>C on transcript NM_003793.4 (MANE Select); coding-DNA position 971, T replaced by C.
Protein change: p.Leu324Ser; replaces leucine 324 with serine.
Molecular consequence: missense variant.
Genome position (GRCh38, 1-based): chr11:66,565,745, A>G on the plus strand (T>C on the coding strand, the complement: CTSF is on the minus strand). VCF-style: chr11-66565745-A-G. GRCh37 (hg19) VCF-style: chr11-66333216-A-G.
Other names: c.971T>C (NM_003793.3); short protein forms L324S.
Identifiers: ClinVar variation 3373769 (VCV003373769.4).
Genomic context (GRCh38, chr11:66,565,745, plus strand): 5'-GCCGAGTAGGCATTGGAGGGCAAGCCGCCCATGCAGGCCTTGTCCATCTTGTCACAGTCC[A>G]AGAGCTCTAGGAGACAGAAGGCTGGTCCCAAGAAGCCCTCCTGAGGGGCTAGGCTGGGGA-3'
Protein context (NP_003784.2, residues 314-334): TLLSLSEQEL[Leu324Ser]DCDKMDKACM